The following is an entry in ClinVar:

ClinVar aggregate classification (germline): Likely benign (0 of 4 stars; one submission).

Conditions:
ALMS1-related disorder. Also called: ALMS1-related condition.

Submission:

PreventionGenetics, part of Exact Sciences
Classification: Likely benign for ALMS1-related condition. Last evaluated: 2022-01-30. Review status: no assertion criteria provided. Collection method: clinical testing. Allele origin: germline.
Comment: This variant is classified as likely benign based on ACMG/AMP sequence variant interpretation guidelines (Richards et al. 2015 PMID: 25741868, with internal and published modifications).

NM_001378454.1(ALMS1):c.8715T>C (p.Ser2905=)

Gene: ALMS1 (ALMS1 centrosome and basal body associated protein; plus strand). Cytogenetic location: 2p13.1.
Variant type: single nucleotide variant.
Coding change: c.8715T>C on transcript NM_001378454.1 (MANE Select); coding-DNA position 8715, T replaced by C.
Protein change: p.Ser2905=; no amino-acid change (serine 2905 retained).
Molecular consequence: synonymous variant.
Genome position (GRCh38, 1-based): chr2:73,490,674, T>C. VCF-style: chr2-73490674-T-C. GRCh37 (hg19) VCF-style: chr2-73717801-T-C.
Other names: c.8718T>C, p.Ser2906= (NM_015120.4).
Identifiers: ClinVar variation 3354607 (VCV003354607.1).